The following is an entry in ClinVar:

ClinVar aggregate classification (germline): Uncertain significance (1 of 4 stars; one submission).

Submission:

Ambry Genetics
Classification: Uncertain significance. Last evaluated: 2026-06-13. Review status: criteria provided, single submitter. Criteria: Ambry Variant Classification Scheme 2023. Collection method: clinical testing. Allele origin: germline.
Comment: The p.M384V variant (also known as c.1150A>G), located in coding exon 4 of the WNK2 gene, results from an A to G substitution at nucleotide position 1150. The methionine at codon 384 is replaced by valine, an amino acid with highly similar properties. This amino acid position is conserved. In addition, the in silico prediction for this alteration is inconclusive. Based on the available evidence, the clinical significance of this variant remains unclear.

NM_006648.4(WNK2):c.1150A>G (p.Met384Val)

Gene: WNK2 (WNK lysine deficient protein kinase 2; plus strand). Cytogenetic location: 9q22.31.
Variant type: single nucleotide variant.
Coding change: c.1150A>G on transcript NM_006648.4 (MANE Select); coding-DNA position 1150, A replaced by G.
Protein change: p.Met384Val; replaces methionine 384 with valine.
Molecular consequence: missense variant.
Genome position (GRCh38, 1-based): chr9:93,234,882, A>G. VCF-style: chr9-93234882-A-G. GRCh37 (hg19) VCF-style: chr9-95997164-A-G.
Other names: c.1150A>G, p.Met384Val (NM_001282394.3); short protein forms M384V.
Identifiers: ClinVar variation 4866760 (VCV004866760.1).